The following is an entry in ClinVar:

NM_000186.4(CFH):c.2833A>T (p.Met945Leu)

Gene: CFH (complement factor H; plus strand). Cytogenetic location: 1q31.3.
Variant type: single nucleotide variant.
Coding change: c.2833A>T on transcript NM_000186.4 (MANE Select); coding-DNA position 2833, A replaced by T.
Protein change: p.Met945Leu; replaces methionine 945 with leucine.
Molecular consequence: missense variant.
Genome position (GRCh38, 1-based): chr1:196,740,669, A>T. VCF-style: chr1-196740669-A-T. GRCh37 (hg19) VCF-style: chr1-196709799-A-T.
Other names: short protein forms M945L.
Identifiers: ClinVar variation 3717535 (VCV003717535.2).

ClinVar aggregate classification (germline): Uncertain significance (1 of 4 stars; one submission).

Submission:

Labcorp Genetics (formerly Invitae), Labcorp
Classification: Uncertain significance. Last evaluated: 2024-09-16. Review status: criteria provided, single submitter. Criteria: Invitae Variant Classification Sherloc (09022015). Collection method: clinical testing. Allele origin: germline.
Comment: This sequence change replaces methionine, which is neutral and non-polar, with leucine, which is neutral and non-polar, at codon 945 of the CFH protein (p.Met945Leu). This variant is not present in population databases (gnomAD no frequency). This variant has not been reported in the literature in individuals affected with CFH-related conditions. An algorithm developed to predict the effect of missense changes on protein structure and function (PolyPhen-2) suggests that this variant is likely to be tolerated. In summary, the available evidence is currently insufficient to determine the role of this variant in disease. Therefore, it has been classified as a Variant of Uncertain Significance.